The following is an entry in ClinVar:

NM_022124.6(CDH23):c.1627A>C (p.Thr543Pro)

Gene: CDH23 (cadherin related 23; plus strand). Cytogenetic location: 10q22.1.
Variant type: single nucleotide variant.
Coding change: c.1627A>C on transcript NM_022124.6 (MANE Select); coding-DNA position 1627, A replaced by C.
Protein change: p.Thr543Pro; replaces threonine 543 with proline.
Molecular consequence: missense variant.
Genome position (GRCh38, 1-based): chr10:71,677,568, A>C. VCF-style: chr10-71677568-A-C. GRCh37 (hg19) VCF-style: chr10-73437325-A-C.
Other names: c.1627A>C, p.Thr543Pro (NM_001171930.2, NM_001171931.2); short protein forms T543P.
Identifiers: ClinVar variation 2915929 (VCV002915929.3), dbSNP rs2493938373, ClinGen allele CA377130430.

ClinVar aggregate classification (germline): Uncertain significance (1 of 4 stars; one submission).

Submission:

Labcorp Genetics (formerly Invitae), Labcorp
Classification: Uncertain significance. Last evaluated: 2022-11-08. Review status: criteria provided, single submitter. Criteria: Invitae Variant Classification Sherloc (09022015). Collection method: clinical testing. Allele origin: germline.
Comment: In summary, the available evidence is currently insufficient to determine the role of this variant in disease. Therefore, it has been classified as a Variant of Uncertain Significance. This sequence change replaces threonine, which is neutral and polar, with proline, which is neutral and non-polar, at codon 543 of the CDH23 protein (p.Thr543Pro). This variant is not present in population databases (gnomAD no frequency). This missense change has been observed in individual(s) with deafness (Invitae). Advanced modeling of protein sequence and biophysical properties (such as structural, functional, and spatial information, amino acid conservation, physicochemical variation, residue mobility, and thermodynamic stability) performed at Invitae indicates that this missense variant is not expected to disrupt CDH23 protein function.